The following is an entry in ClinVar:

NM_006208.3(ENPP1):c.265A>G (p.Thr89Ala)

Gene: ENPP1 (ectonucleotide pyrophosphatase/phosphodiesterase 1; plus strand). Cytogenetic location: 6q23.2.
Variant type: single nucleotide variant.
Coding change: c.265A>G on transcript NM_006208.3 (MANE Select); coding-DNA position 265, A replaced by G.
Protein change: p.Thr89Ala; replaces threonine 89 with alanine.
Molecular consequence: missense variant.
Genome position (GRCh38, 1-based): chr6:131,847,800, A>G. VCF-style: chr6-131847800-A-G. GRCh37 (hg19) VCF-style: chr6-132168940-A-G.
Other names: short protein forms T89A.
Identifiers: ClinVar variation 2858906 (VCV002858906.3), dbSNP rs2483456123, ClinGen allele CA365657500.

ClinVar aggregate classification (germline): Uncertain significance (1 of 4 stars; one submission).

Allele frequency attached by ClinVar (database versions not stated): gnomAD exomes below 0.00001.
gnomAD v4.1: 1 of 1,612,230 alleles (0.000062%); highest among the groups gnomAD compares: Non-Finnish European, 0.000085%; no homozygotes.

Submission:

Labcorp Genetics (formerly Invitae), Labcorp
Classification: Uncertain significance. Last evaluated: 2023-04-24. Review status: criteria provided, single submitter. Criteria: Invitae Variant Classification Sherloc (09022015). Collection method: clinical testing. Allele origin: germline.
Comment: This variant has not been reported in the literature in individuals affected with ENPP1-related conditions. This variant is not present in population databases (gnomAD no frequency). This sequence change replaces threonine, which is neutral and polar, with alanine, which is neutral and non-polar, at codon 89 of the ENPP1 protein (p.Thr89Ala). In summary, the available evidence is currently insufficient to determine the role of this variant in disease. Therefore, it has been classified as a Variant of Uncertain Significance. An algorithm developed to predict the effect of missense changes on protein structure and function (PolyPhen-2) suggests that this variant is likely to be tolerated.